The following is an entry in ClinVar:

ClinVar aggregate classification (germline): Uncertain significance (1 of 4 stars; one submission).

Submission:

Women's Health and Genetics/Laboratory Corporation of America, LabCorp
Classification: Uncertain significance. Last evaluated: 2024-06-04. Review status: criteria provided, single submitter. Criteria: LabCorp Variant Classification Summary - May 2015. Collection method: clinical testing. Allele origin: germline.
Comment: Variant summary: The variant involves the duplication of exons 17-28 in the ERBB3 gene. A presumed nomenclature of c.(1913+1_1914-1)_(*1451_?)dup has been designated for the purposes of this classification. The exact breakpoint at the 3' end of this variant is unknown, therefore this duplication may extend downstream of the annotated region of the gene. As it duplicates the termination codon, its effect on the encoded protein is unknown. The variant was absent in 21694 control chromosomes. The available data on variant occurrences in the general population are insufficient to allow any conclusion about variant significance. To our knowledge, no occurrence of c.(1913+1_1914-1)_(*1451_?)dup in individuals affected with Lethal congenital contracture syndrome 2 and no experimental evidence demonstrating its impact on protein function have been reported. No submitters have cited clinical-significance assessments for this variant to ClinVar. Based on the evidence outlined above, the variant was classified as uncertain significance.

NC_000012.11:g.(56489095_56489448)_(56497290_?)dup

Gene: ERBB3 (erb-b2 receptor tyrosine kinase 3; plus strand). Cytogenetic location: 12q13.2.
Variant type: Duplication.
Identifiers: ClinVar variation 3339754 (VCV003339754.1).